The following is an entry in ClinVar:

ClinVar aggregate classification (germline): Uncertain significance (1 of 4 stars; one submission).

Conditions:
Spastic paraplegia. Identifiers: MedGen C0037772, HP:0001258.

Allele frequency attached by ClinVar (database versions not stated): gnomAD exomes below 0.00001; TOPMed 0.00002.
gnomAD v4.1: 2 of 1,614,214 alleles (0.00012%); highest among the groups gnomAD compares: African/African-American, 0.0027%; no homozygotes.

Submission:

Labcorp Genetics (formerly Invitae), Labcorp
Classification: Uncertain significance for Spastic paraplegia. Last evaluated: 2021-10-11. Review status: criteria provided, single submitter. Criteria: Invitae Variant Classification Sherloc (09022015). Collection method: clinical testing. Allele origin: germline.
Comment: This sequence change falls in intron 2 of the FA2H gene. It does not directly change the encoded amino acid sequence of the FA2H protein. It affects a nucleotide within the consensus splice site of the intron. This variant is not present in population databases (ExAC no frequency). This variant has not been reported in the literature in individuals affected with FA2H-related conditions. Variants that disrupt the consensus splice site are a relatively common cause of aberrant splicing (PMID: 17576681, 9536098). Algorithms developed to predict the effect of sequence changes on RNA splicing suggest that this variant is not likely to affect RNA splicing. In summary, the available evidence is currently insufficient to determine the role of this variant in disease. Therefore, it has been classified as a Variant of Uncertain Significance.

Literature cited by the submitters: PubMed 17576681; PubMed 9536098.

NM_024306.5(FA2H):c.364-3C>T

Gene: FA2H (fatty acid 2-hydroxylase; minus strand). Cytogenetic location: 16q23.1.
Variant type: single nucleotide variant.
Coding change: c.364-3C>T on transcript NM_024306.5 (MANE Select); 3 bases into the intron before coding-DNA position 364, C replaced by T.
Molecular consequence: intron variant.
Genome position (GRCh38, 1-based): chr16:74,727,389, G>A on the plus strand (C>T on the coding strand, the complement: FA2H is on the minus strand). VCF-style: chr16-74727389-G-A. GRCh37 (hg19) VCF-style: chr16-74761287-G-A.
Identifiers: ClinVar variation 1485436 (VCV001485436.6), dbSNP rs1961983397, ClinGen allele CA2232967817.